The following is an entry in ClinVar:

NM_004483.5(GCSH):c.99G>A (p.Leu33=)

Genes: GCSH (glycine cleavage system protein H; minus strand), LOC130059495 (ATAC-STARR-seq lymphoblastoid silent region 7751; plus strand). Cytogenetic location: 16q23.2.
Variant type: single nucleotide variant.
Coding change: c.99G>A on transcript NM_004483.5 (MANE Select); coding-DNA position 99, G replaced by A.
Protein change: p.Leu33=; no amino-acid change (leucine 33 retained).
Molecular consequence: synonymous variant. On other transcripts: non-coding transcript variant (1).
Genome position (GRCh38, 1-based): chr16:81,096,180, C>T on the plus strand (G>A on the coding strand, the complement: GCSH is on the minus strand). VCF-style: chr16-81096180-C-T. GRCh37 (hg19) VCF-style: chr16-81129785-C-T.
Identifiers: ClinVar variation 3030410 (VCV003030410.2), dbSNP rs1486401687, ClinGen allele CA496442440.
Genomic context (GRCh38, chr16:81,096,180, plus strand): 5'-GCCGCGCTTACCCGAGAGCAGAGCGGGTCCAGTGCGCAGCGTACGGACGGCGCCCACCCC[C>T]AGCTGCCAGGGCCTCGGCGGGCAGGGCGCGGCGGGTGACGGGACCGCGCGCAGGGTGCAG-3'
Protein context (NP_004474.2, residues 23-43): AAPCPPRPWQ[Leu33=]GVGAVRTLRT

ClinVar aggregate classification (germline): Likely benign (0 of 4 stars; one submission).

Conditions:
GCSH-related disorder. Also called: GCSH-related condition.

Allele frequency attached by ClinVar (database versions not stated): TOPMed 0.00002.

Submission:

PreventionGenetics, part of Exact Sciences
Classification: Likely benign for GCSH-related condition. Last evaluated: 2021-01-18. Review status: no assertion criteria provided. Collection method: clinical testing. Allele origin: germline.
Comment: This variant is classified as likely benign based on ACMG/AMP sequence variant interpretation guidelines (Richards et al. 2015 PMID: 25741868, with internal and published modifications).